The following is an entry in ClinVar:

ClinVar aggregate classification (germline): Benign. Review status: criteria provided, multiple submitters, no conflicts (2 of 4 stars). 6 submissions from 6 submitters: Benign (6). Last evaluated 2026-05-08.

Conditions:
Growth delay due to insulin-like growth factor I resistance. Also called: Somatomedin end-organ insensitivity to; Somatomedin-c resistance to; IGF-1 resistance; IGF-I RESISTANCE; Insulin-Like Growth Factor I Resistance. Identifiers: Orphanet 73273, MedGen C1849157, MONDO:0010038, OMIM 270450.

Allele frequency attached by ClinVar (database versions not stated): 1000 Genomes Project 30x 0.33276; 1000 Genomes Project 0.33566; TOPMed 0.38453; gnomAD 0.39091 and 0.39376; gnomAD exomes 0.39670 and 0.43386; ExAC 0.39719; ESP Exome Variant Server 0.40268.
gnomAD v4.1: 692,155 of 1,613,534 alleles (43%); highest among the groups gnomAD compares: Non-Finnish European, 46%; 151,538 homozygotes.

Submissions (6):

Women's Health and Genetics/Laboratory Corporation of America, LabCorp
Classification: Benign. Last evaluated: 2026-05-08. Review status: criteria provided, single submitter. Criteria: LabCorp Variant Classification Summary - May 2015. Collection method: clinical testing. Allele origin: germline.

Labcorp Genetics (formerly Invitae), Labcorp
Classification: Benign. Last evaluated: 2026-02-03. Review status: criteria provided, single submitter. Criteria: Invitae Variant Classification Sherloc (09022015). Collection method: clinical testing. Allele origin: germline.

Blueprint Genetics
Classification: Benign. Last evaluated: 2024-11-27. Review status: criteria provided, single submitter. Criteria: ACMG Guidelines, 2015. Collection method: clinical testing. Allele origin: germline.

Illumina Laboratory Services, Illumina
Classification: Benign for Growth delay due to insulin-like growth factor I resistance. Last evaluated: 2018-03-06. Review status: criteria provided, single submitter. Criteria: ICSL Variant Classification Criteria 13 December 2019. Collection method: clinical testing. Allele origin: germline.
Comment: This variant was observed in the ICSL laboratory as part of a predisposition screen in an ostensibly healthy population. It had not been previously curated by ICSL or reported in the Human Gene Mutation Database (HGMD: prior to June 1st, 2018), and was therefore a candidate for classification through an automated scoring system. Utilizing variant allele frequency, disease prevalence and penetrance estimates, and inheritance mode, an automated score was calculated to assess if this variant is too frequent to cause the disease. Based on the score and internal cut-off values, a variant classified as benign is not then subjected to further curation. The score for this variant resulted in a classification of benign for this disease.

Eurofins Ntd Llc (ga)
Classification: Benign. Last evaluated: 2014-11-17. Review status: criteria provided, single submitter. Criteria: EGL Classification Definitions 2015. Collection method: clinical testing. Allele origin: germline. Observed: 2 variant alleles, 2 heterozygotes.

Breakthrough Genomics
Classification: Benign. Review status: criteria provided, single submitter. Criteria: ACMG Guidelines, 2015. Collection method: not provided. Allele origin: germline. Inheritance: Autosomal dominant inheritance. Affected: yes.

NM_000875.5(IGF1R):c.3129G>A (p.Glu1043=)

Gene: IGF1R (insulin like growth factor 1 receptor; plus strand). Cytogenetic location: 15q26.3.
Variant type: single nucleotide variant.
Coding change: c.3129G>A on transcript NM_000875.5 (MANE Select); coding-DNA position 3129, G replaced by A.
Protein change: p.Glu1043=; no amino-acid change (glutamic acid 1043 retained).
Molecular consequence: synonymous variant.
Genome position (GRCh38, 1-based): chr15:98,934,996, G>A. VCF-style: chr15-98934996-G-A. GRCh37 (hg19) VCF-style: chr15-99478225-G-A.
Other names: c.3126G>A, p.Glu1042= (NM_001291858.2).
Identifiers: ClinVar variation 194610 (VCV000194610.19), dbSNP rs2229765, ClinGen allele CA201258.